The following is an entry in ClinVar:

ClinVar aggregate classification (germline): Uncertain significance (1 of 4 stars; one submission).

Allele frequency attached by ClinVar (database versions not stated): gnomAD exomes below 0.00001.
gnomAD v4.1: 1 of 1,614,050 alleles (0.000062%); highest among the groups gnomAD compares: Non-Finnish European, 0.000085%; no homozygotes.

Submission:

Labcorp Genetics (formerly Invitae), Labcorp
Classification: Uncertain significance. Last evaluated: 2022-07-29. Review status: criteria provided, single submitter. Criteria: Invitae Variant Classification Sherloc (09022015). Collection method: clinical testing. Allele origin: germline.
Comment: In summary, the available evidence is currently insufficient to determine the role of this variant in disease. Therefore, it has been classified as a Variant of Uncertain Significance. Advanced modeling of protein sequence and biophysical properties (such as structural, functional, and spatial information, amino acid conservation, physicochemical variation, residue mobility, and thermodynamic stability) performed at Invitae indicates that this missense variant is expected to disrupt KMT2A protein function. This sequence change replaces arginine, which is basic and polar, with isoleucine, which is neutral and non-polar, at codon 738 of the KMT2A protein (p.Arg738Ile). This variant is present in population databases (no rsID available, gnomAD 0.0009%). This variant has not been reported in the literature in individuals affected with KMT2A-related conditions.

NM_001197104.2(KMT2A):c.2213G>T (p.Arg738Ile)

Gene: KMT2A (lysine methyltransferase 2A; plus strand). Cytogenetic location: 11q23.3.
Variant type: single nucleotide variant.
Coding change: c.2213G>T on transcript NM_001197104.2 (MANE Select); coding-DNA position 2213, G replaced by T.
Protein change: p.Arg738Ile; replaces arginine 738 with isoleucine.
Molecular consequence: missense variant.
Genome position (GRCh38, 1-based): chr11:118,473,372, G>T. VCF-style: chr11-118473372-G-T. GRCh37 (hg19) VCF-style: chr11-118344087-G-T.
Other names: c.2312G>T, p.Arg771Ile (NM_001412597.1); c.2213G>T, p.Arg738Ile (NM_005933.4); short protein forms R738I, R771I.
Identifiers: ClinVar variation 2138883 (VCV002138883.4), dbSNP rs1555036415, ClinGen allele CA382813611.